The following is an entry in ClinVar:

NM_001204.7(BMPR2):c.880C>T (p.His294Tyr)

Gene: BMPR2 (bone morphogenetic protein receptor type 2; plus strand). Cytogenetic location: 2q33.2.
Variant type: single nucleotide variant.
Coding change: c.880C>T on transcript NM_001204.7 (MANE Select); coding-DNA position 880, C replaced by T.
Protein change: p.His294Tyr; replaces histidine 294 with tyrosine.
Molecular consequence: missense variant.
Genome position (GRCh38, 1-based): chr2:202,520,114, C>T. VCF-style: chr2-202520114-C-T. GRCh37 (hg19) VCF-style: chr2-203384837-C-T.
Other names: short protein forms H294Y.
Identifiers: ClinVar variation 4214425 (VCV004214425.1).
Genomic context (GRCh38, chr2:202,520,114, plus strand): 5'-TTTTTTTTTTTTCGCATTTTTTCCTCTATATAGGGATCTTTATGCAAGTATTTAAGTCTC[C>T]ACACAAGTGACTGGGTAAGCTCTTGCCGTCTTGCTCATTCTGTTACTAGAGGACTGGCTT-3'
Protein context (NP_001195.2, residues 284-304): NGSLCKYLSL[His294Tyr]TSDWVSSCRL

ClinVar aggregate classification (germline): Uncertain significance (1 of 4 stars; one submission).

Conditions:
Inborn genetic diseases. Identifiers: MedGen C0950123, MeSH D030342.

gnomAD v4.1: 10 of 1,612,680 alleles (0.00062%); highest among the groups gnomAD compares: Non-Finnish European, 0.00085%; no homozygotes.

Submission:

Ambry Genetics
Classification: Uncertain significance for Inborn genetic diseases. Last evaluated: 2025-06-29. Review status: criteria provided, single submitter. Criteria: Ambry Variant Classification Scheme 2023. Collection method: clinical testing. Allele origin: germline.
Comment: The p.H294Y variant (also known as c.880C>T), located in coding exon 7 of the BMPR2 gene, results from a C to T substitution at nucleotide position 880. The histidine at codon 294 is replaced by tyrosine, an amino acid with similar properties. This amino acid position is conserved. In addition, the in silico prediction for this alteration is inconclusive. Based on the available evidence, the clinical significance of this variant remains unclear.